The following is an entry in ClinVar:

ClinVar aggregate classification (germline): Conflicting classifications of pathogenicity. Review status: criteria provided, conflicting classifications (1 of 4 stars). 3 submissions from 3 submitters: Uncertain significance (2); Likely benign (1). Last evaluated 2025-10-22.

Conditions:
Gorlin syndrome. Also called: Nevoid Basal Cell Carcinoma Syndrome; Basal cell nevus syndrome. Identifiers: Orphanet 377, MedGen C0004779, MONDO:0007187.
Hereditary cancer-predisposing syndrome. Also called: Hereditary neoplastic syndrome; Hereditary Cancer Syndrome; Tumor predisposition; Neoplastic Syndromes, Hereditary. Identifiers: Orphanet 140162, MedGen C0027672, MeSH D009386, MONDO:0015356.

Allele frequency attached by ClinVar (database versions not stated): gnomAD exomes below 0.00001.
gnomAD v4.1: 6 of 1,613,242 alleles (0.00037%); highest among the groups gnomAD compares: Non-Finnish European, 0.00051%; no homozygotes.

Submissions (3):

Ambry Genetics
Classification: Uncertain significance for Hereditary cancer-predisposing syndrome. Last evaluated: 2025-10-22. Review status: criteria provided, single submitter. Criteria: Ambry Variant Classification Scheme 2023. Collection method: clinical testing. Allele origin: germline.
Comment: The p.H817R variant (also known as c.2450A>G), located in coding exon 15 of the PTCH1 gene, results from an A to G substitution at nucleotide position 2450. The histidine at codon 817 is replaced by arginine, an amino acid with highly similar properties. This amino acid position is not well conserved in available vertebrate species. In addition, this alteration is predicted to be tolerated by in silico analysis. Since supporting evidence is limited at this time, the clinical significance of this alteration remains unclear.

Labcorp Genetics (formerly Invitae), Labcorp
Classification: Likely benign for Gorlin syndrome. Last evaluated: 2024-07-29. Review status: criteria provided, single submitter. Criteria: Invitae Variant Classification Sherloc (09022015). Collection method: clinical testing. Allele origin: germline.

GeneDx
Classification: Uncertain significance. Last evaluated: 2024-01-08. Review status: criteria provided, single submitter. Criteria: GeneDx Variant Classification Process June 2021. Collection method: clinical testing. Allele origin: germline. Affected: yes.
Comment: Not observed at significant frequency in large population cohorts (gnomAD); In silico analysis supports that this missense variant does not alter protein structure/function; Has not been previously published as pathogenic or benign to our knowledge; This variant is associated with the following publications: (PMID: 8906794)

NM_000264.5(PTCH1):c.2450A>G (p.His817Arg)

Genes: PTCH1 (patched 1; minus strand), LOC100507346 (uncharacterized LOC100507346; plus strand). Cytogenetic location: 9q22.32.
Variant type: single nucleotide variant.
Coding change: c.2450A>G on transcript NM_000264.5 (MANE Select); coding-DNA position 2450, A replaced by G.
Protein change: p.His817Arg; replaces histidine 817 with arginine.
Molecular consequence: missense variant. On other transcripts: non-coding transcript variant (1).
Genome position (GRCh38, 1-based): chr9:95,467,226, T>C on the plus strand (A>G on the coding strand, the complement: PTCH1 is on the minus strand). VCF-style: chr9-95467226-T-C. GRCh37 (hg19) VCF-style: chr9-98229508-T-C.
Other names: c.2252A>G, p.His751Arg (NM_001083602.3); c.2447A>G, p.His816Arg (NM_001083603.3); c.1997A>G, p.His666Arg (NM_001083604.3, NM_001083605.3, NM_001083606.3 and 1 more transcripts); c.2294A>G, p.His765Arg (NM_001354918.2); short protein forms H816R, H751R, H765R, H817R, H666R.
Identifiers: ClinVar variation 971365 (VCV000971365.15), dbSNP rs1564030723, ClinGen allele CA374114131.